The following is an entry in ClinVar:

NC_000005.10:g.112707362T>G

Gene: APC (APC regulator of Wnt signaling pathway; plus strand). Cytogenetic location: 5q22.2.
Variant type: single nucleotide variant.
Genome position: GRCh38 VCF-style: chr5-112707362-T-G. GRCh37 (hg19) VCF-style: chr5-112043059-T-G.
Identifiers: ClinVar variation 1054574 (VCV001054574.7), dbSNP rs113077479, ClinGen allele CA802056809.

ClinVar aggregate classification (germline): Uncertain significance (1 of 4 stars; one submission).

Conditions:
Familial adenomatous polyposis 1 (FAP1). Also called: FAMILIAL ADENOMATOUS POLYPOSIS 1, ATTENUATED; POLYPOSIS, ADENOMATOUS INTESTINAL. Identifiers: MedGen C2713442, MONDO:0021056, OMIM 175100. Disease mechanism: loss of function.

Allele frequency attached by ClinVar (database versions not stated): gnomAD 0.00001.

Submission:

Labcorp Genetics (formerly Invitae), Labcorp
Classification: Uncertain significance for Familial adenomatous polyposis 1. Last evaluated: 2021-08-26. Review status: criteria provided, single submitter. Criteria: Invitae Variant Classification Sherloc (09022015). Collection method: clinical testing. Allele origin: germline.
Comment: This variant occurs in a non-coding region of the APC gene. It does not change the encoded amino acid sequence of the APC protein. The frequency data for this variant in the population databases is considered unreliable, as metrics indicate insufficient coverage at this position in the ExAC database. This variant has not been reported in the literature in individuals affected with APC-related conditions. Experimental studies and prediction algorithms are not available or were not evaluated, and the functional significance of this variant is currently unknown. In summary, the available evidence is currently insufficient to determine the role of this variant in disease. Therefore, it has been classified as a Variant of Uncertain Significance.